The following is an entry in ClinVar:

NM_000051.4(ATM):c.5762+7T>C

Gene: ATM (ATM serine/threonine kinase; plus strand). Cytogenetic location: 11q22.3.
Variant type: single nucleotide variant.
Coding change: c.5762+7T>C on transcript NM_000051.4 (MANE Select); 7 bases into the intron after coding-DNA position 5762, T replaced by C.
Molecular consequence: intron variant.
Genome position (GRCh38, 1-based): chr11:108,307,991, T>C. VCF-style: chr11-108307991-T-C. GRCh37 (hg19) VCF-style: chr11-108178718-T-C.
Other names: c.5762+7T>C (NM_001351834.2).
Identifiers: ClinVar variation 3254114 (VCV003254114.1), dbSNP rs2135978333.

ClinVar aggregate classification (germline): Likely benign (1 of 4 stars; one submission).

Conditions:
Familial cancer of breast. Also called: BREAST CANCER, FAMILIAL; Hereditary breast cancer; hereditary breast carcinoma. Identifiers: Orphanet 227535, MedGen C0346153, MONDO:0016419, OMIM 114480. Disease mechanism: loss of function.

Submission:

Myriad Genetics, Inc.
Classification: Likely benign for Familial cancer of breast. Last evaluated: 2024-05-24. Review status: criteria provided, single submitter. Criteria: Myriad Autosomal Dominant, Autosomal Recessive and X-Linked Classification Criteria (2023). Collection method: clinical testing. Allele origin: unknown.
Comment: This variant is considered likely benign. This variant is intronic and is not expected to impact mRNA splicing.